The following is an entry in ClinVar:

ClinVar aggregate classification (germline): Uncertain significance (1 of 4 stars; one submission).

Allele frequency attached by ClinVar (database versions not stated): gnomAD 0.00001 and 0.00002; TOPMed 0.00001; gnomAD exomes 0.00003 and 0.00004; ExAC 0.00004; ESP Exome Variant Server 0.00008.
gnomAD v4.1: 50 of 1,613,792 alleles (0.0031%); highest among the groups gnomAD compares: Non-Finnish European, 0.0041%; no homozygotes.

Submission:

Labcorp Genetics (formerly Invitae), Labcorp
Classification: Uncertain significance. Last evaluated: 2024-02-17. Review status: criteria provided, single submitter. Criteria: Invitae Variant Classification Sherloc (09022015). Collection method: clinical testing. Allele origin: germline.
Comment: This sequence change replaces aspartic acid, which is acidic and polar, with glutamic acid, which is acidic and polar, at codon 1816 of the CEP250 protein (p.Asp1816Glu). This variant is present in population databases (rs139855716, gnomAD 0.009%). This variant has not been reported in the literature in individuals affected with CEP250-related conditions. ClinVar contains an entry for this variant (Variation ID: 863948). Algorithms developed to predict the effect of missense changes on protein structure and function output the following: SIFT: "Not Available"; PolyPhen-2: "Benign"; Align-GVGD: "Not Available". The glutamic acid amino acid residue is found in multiple mammalian species, which suggests that this missense change does not adversely affect protein function. In summary, the available evidence is currently insufficient to determine the role of this variant in disease. Therefore, it has been classified as a Variant of Uncertain Significance.

NM_007186.6(CEP250):c.5448C>G (p.Asp1816Glu)

Gene: CEP250 (centrosomal protein 250; plus strand). Cytogenetic location: 20q11.22.
Variant type: single nucleotide variant.
Coding change: c.5448C>G on transcript NM_007186.6 (MANE Select); coding-DNA position 5448, C replaced by G.
Protein change: p.Asp1816Glu; replaces aspartic acid 1816 with glutamic acid.
Molecular consequence: missense variant.
Genome position (GRCh38, 1-based): chr20:35,503,817, C>G. VCF-style: chr20-35503817-C-G. GRCh37 (hg19) VCF-style: chr20-34091645-C-G.
Other names: c.3552C>G, p.Asp1184Glu (NM_001318219.1); short protein forms D1184E, D1816E.
Identifiers: ClinVar variation 863948 (VCV000863948.7), dbSNP rs139855716, ClinGen allele CA9833875.